The following is an entry in ClinVar:

NM_001242896.3(DEPDC5):c.4546T>C (p.Ser1516Pro)

Gene: DEPDC5 (DEP domain containing 5, GATOR1 subcomplex subunit; plus strand). Cytogenetic location: 22q12.3.
Variant type: single nucleotide variant.
Coding change: c.4546T>C on transcript NM_001242896.3 (MANE Select); coding-DNA position 4546, T replaced by C.
Protein change: p.Ser1516Pro; replaces serine 1516 with proline.
Molecular consequence: missense variant. On other transcripts: non-coding transcript variant (5).
Genome position (GRCh38, 1-based): chr22:31,906,231, T>C. VCF-style: chr22-31906231-T-C. GRCh37 (hg19) VCF-style: chr22-32302217-T-C.
Other names: c.4519T>C, p.Ser1507Pro (NM_001136029.4); c.4246T>C, p.Ser1416Pro (NM_001242897.2); c.4480T>C, p.Ser1494Pro (NM_001363852.2, NM_001364320.2); c.4312T>C, p.Ser1438Pro (NM_001363854.2, NM_001364319.2); c.4546T>C, p.Ser1516Pro (NM_001364318.2); c.4462T>C, p.Ser1488Pro (NM_001369901.1, NM_001369902.1); c.4453T>C, p.Ser1485Pro (NM_001369903.1, NM_014662.6); short protein forms S1416P, S1438P, S1485P, S1488P, S1494P, S1507P, S1516P.
Identifiers: ClinVar variation 3340825 (VCV003340825.2).

ClinVar aggregate classification (germline): Uncertain significance (1 of 4 stars; one submission).

gnomAD v4.1: 1 of 1,613,848 alleles (0.000062%); highest among the groups gnomAD compares: African/African-American, 0.0013%; no homozygotes.

Submission:

GeneDx
Classification: Uncertain significance. Last evaluated: 2024-10-01. Review status: criteria provided, single submitter. Criteria: GeneDx Variant Classification Process June 2021. Collection method: clinical testing. Allele origin: germline.
Comment: Not observed at significant frequency in large population cohorts (gnomAD); In silico analysis indicates that this missense variant does not alter protein structure/function; Has not been previously published as pathogenic or benign to our knowledge